The following is an entry in ClinVar:

ClinVar aggregate classification (germline): Uncertain significance (1 of 4 stars; one submission).

Conditions:
Primary ciliary dyskinesia 3. Identifiers: Orphanet 244, MedGen C1837618, MONDO:0012085, OMIM 608644.

Allele frequency attached by ClinVar (database versions not stated): gnomAD 0.00005; TOPMed 0.00013; 1000 Genomes Project 30x 0.00031.
gnomAD v4.1: 8 of 152,244 alleles (0.0053%); highest among the groups gnomAD compares: East Asian, 0.15%; no homozygotes.

Submission:

New York Genome Center
Classification: Uncertain significance for Primary ciliary dyskinesia 3. Last evaluated: 2023-09-01. Review status: criteria provided, single submitter. Criteria: NYGC Assertion Criteria 2020. Collection method: clinical testing. Allele origin: inherited. Observed: 1 compound heterozygote.
Comment: The c.2260-2552G>T variant in the DNAH5 gene has not previously been reported in the literature or public variant repositories (ClinVar and LOVD). The c.2260-2552G>T variant is observed at a low allele frequency (9.72e-5; 0 homozygotes) in population databases (gnomAD v2.1.1, gnomADv3.1.2 TOPMed Freeze 8 All of Us), suggesting it is not a common benign variant in the populations represented in those databases. The c.2260-2552G>T variant is located in intron 15 (of 78) of the DNAH5 gene and in silico predictions suggest that it may affect mRNA splicing [Splice AI = 0.22]. However, there are no functional studies to support or refute all these in silico splicing predictions. Based on available evidence the inherited c.2260-2552G>T variant identified in the DNAH5 gene is classified as a Variant of Uncertain Significance.

NM_001369.3(DNAH5):c.2260-2552G>T

Genes: DNAH5 (dynein axonemal heavy chain 5; minus strand), DNAH5-AS1 (DNAH5 antisense RNA 1; plus strand). Cytogenetic location: 5p15.2.
Variant type: single nucleotide variant.
Coding change: c.2260-2552G>T on transcript NM_001369.3 (MANE Select); 2552 bases into the intron before coding-DNA position 2260, G replaced by T.
Molecular consequence: intron variant.
Genome position (GRCh38, 1-based): chr5:13,897,373, C>A on the plus strand (G>T on the coding strand, the complement: DNAH5 is on the minus strand). VCF-style: chr5-13897373-C-A. GRCh37 (hg19) VCF-style: chr5-13897482-C-A.
Identifiers: ClinVar variation 2665069 (VCV002665069.1), dbSNP rs1047408706, ClinGen allele CA113941122.